The following is an entry in ClinVar:

NM_001142800.2(EYS):c.3028T>C (p.Ser1010Pro)

Gene: EYS (EGF-like photoreceptor maintenance factor; minus strand). Cytogenetic location: 6q12.
Variant type: single nucleotide variant.
Coding change: c.3028T>C on transcript NM_001142800.2 (MANE Select); coding-DNA position 3028, T replaced by C.
Protein change: p.Ser1010Pro; replaces serine 1010 with proline.
Molecular consequence: missense variant.
Genome position (GRCh38, 1-based): chr6:64,822,787, A>G on the plus strand (T>C on the coding strand, the complement: EYS is on the minus strand). VCF-style: chr6-64822787-A-G. GRCh37 (hg19) VCF-style: chr6-65532680-A-G.
Other names: c.3028T>C, p.Ser1010Pro (NM_001292009.2); c.3028T>C (NM_001142800.1); short protein forms S1010P.
Identifiers: ClinVar variation 990481 (VCV000990481.7), dbSNP rs557931285, ClinGen allele CA140369238.

ClinVar aggregate classification (germline): Uncertain significance. Review status: criteria provided, multiple submitters, no conflicts (2 of 4 stars). 5 submissions from 5 submitters: Uncertain significance (4). 1 of the submissions does not count toward it. Last evaluated 2026-01-26.

Conditions:
Inborn genetic diseases. Identifiers: MedGen C0950123, MeSH D030342.
Autosomal recessive retinitis pigmentosa. Identifiers: MedGen C0339526.
EYS-related disorder. Also called: EYS-related condition.

Allele frequency attached by ClinVar (database versions not stated): gnomAD 0.00004 and 0.00005; gnomAD exomes 0.00004 and 0.00010; TOPMed 0.00008; 1000 Genomes Project 30x 0.00016; 1000 Genomes Project 0.00020.
gnomAD v4.1: 30 of 1,549,996 alleles (0.0019%); highest among the groups gnomAD compares: Admixed American, 0.059%; no homozygotes.

Submissions (5):

PreventionGenetics, part of Exact Sciences
Classification: Uncertain significance for EYS-related condition. Last evaluated: 2026-01-26. Review status: criteria provided, single submitter. Criteria: ACMG Guidelines, 2015. Collection method: clinical testing. Allele origin: germline.
Comment: The EYS c.3028T>C variant is predicted to result in the amino acid substitution p.Ser1010Pro. To our knowledge, this variant has not been reported in the literature. This variant is reported in 0.067% of alleles in individuals of Latino descent in gnomAD, which may be too frequent to be a primary cause of disease. Although we suspect that this variant may be benign, at this time, the clinical significance of this variant is uncertain due to the absence of conclusive functional and genetic evidence.

Labcorp Genetics (formerly Invitae), Labcorp
Classification: Uncertain significance. Last evaluated: 2022-08-21. Review status: criteria provided, single submitter. Criteria: Invitae Variant Classification Sherloc (09022015). Collection method: clinical testing. Allele origin: germline.
Comment: This sequence change replaces serine, which is neutral and polar, with proline, which is neutral and non-polar, at codon 1010 of the EYS protein (p.Ser1010Pro). This variant is present in population databases (rs557931285, gnomAD 0.07%). This variant has not been reported in the literature in individuals affected with EYS-related conditions. ClinVar contains an entry for this variant (Variation ID: 990481). Algorithms developed to predict the effect of missense changes on protein structure and function (SIFT, PolyPhen-2, Align-GVGD) all suggest that this variant is likely to be disruptive. In summary, the available evidence is currently insufficient to determine the role of this variant in disease. Therefore, it has been classified as a Variant of Uncertain Significance.

Ambry Genetics
Classification: Uncertain significance for Inborn genetic diseases. Last evaluated: 2022-06-28. Review status: criteria provided, single submitter. Criteria: Ambry Variant Classification Scheme 2023. Collection method: clinical testing. Allele origin: germline.

Blueprint Genetics
Classification: Uncertain significance. Last evaluated: 2022-06-23. Review status: criteria provided, single submitter. Criteria: ACMG Guidelines, 2015. Collection method: clinical testing. Allele origin: germline.

Natera, Inc.
Classification: Uncertain significance for Autosomal recessive retinitis pigmentosa. Last evaluated: 2020-07-14. Review status: no assertion criteria provided. Collection method: clinical testing. Allele origin: germline. Not counted in ClinVar's aggregate classification.